The following is an entry in ClinVar:

NM_004456.5(EZH2):c.1918A>G (p.Asn640Asp)

Gene: EZH2 (enhancer of zeste 2 polycomb repressive complex 2 subunit; minus strand). Cytogenetic location: 7q36.1.
Variant type: single nucleotide variant.
Coding change: c.1918A>G on transcript NM_004456.5 (MANE Select); coding-DNA position 1918, A replaced by G.
Protein change: p.Asn640Asp; replaces asparagine 640 with aspartic acid.
Molecular consequence: missense variant.
Genome position (GRCh38, 1-based): chr7:148,811,654, T>C on the plus strand (A>G on the coding strand, the complement: EZH2 is on the minus strand). VCF-style: chr7-148811654-T-C. GRCh37 (hg19) VCF-style: chr7-148508746-T-C.
Other names: c.1903A>G, p.Asn635Asp (NM_001203247.2); c.1876A>G, p.Asn626Asp (NM_001203248.2); c.1750A>G, p.Asn584Asp (NM_001203249.2); c.1786A>G, p.Asn596Asp (NM_152998.3); short protein forms N584D, N596D, N626D, N635D, N640D.
Identifiers: ClinVar variation 2576055 (VCV002576055.1), dbSNP rs2536394629, ClinGen allele CA369713078.

ClinVar aggregate classification (germline): Uncertain significance (1 of 4 stars; one submission).

Submission:

Institute for Clinical Genetics, University Hospital TU Dresden, University Hospital TU Dresden
Classification: Uncertain significance. Last evaluated: 2022-11-29. Review status: criteria provided, single submitter. Criteria: ACMG Guidelines, 2015. Collection method: clinical testing. Allele origin: maternal.
Comment: PP3, PM1, PM2_SUP, PP2